The following is an entry in ClinVar:

ClinVar aggregate classification (germline): Likely benign (0 of 4 stars; one submission).

Conditions:
NSD2-related disorder. Also called: NSD2-related condition; NSD2 related disorders.

Submission:

PreventionGenetics, part of Exact Sciences
Classification: Likely benign for NSD2-related condition. Last evaluated: 2019-07-31. Review status: no assertion criteria provided. Collection method: clinical testing. Allele origin: germline.
Comment: This variant is classified as likely benign based on ACMG/AMP sequence variant interpretation guidelines (Richards et al. 2015 PMID: 25741868, with internal and published modifications).

NM_001042424.3(NSD2):c.1675-11_1675-10dup

Gene: NSD2 (nuclear receptor binding SET domain protein 2; plus strand). Cytogenetic location: 4p16.3.
Variant type: Duplication.
Coding change: c.1675-11_1675-10dup on transcript NM_001042424.3 (MANE Select); 11 bases into the intron before coding-DNA position 1675 through 10 bases into the intron before coding-DNA position 1675, 2 bases duplicated (TT; older notation c.1675-11_1675-10dupTT).
Molecular consequence: intron variant.
Genome position (GRCh38, 1-based): chr4:1,938,440-1,938,441, TT duplicated; duplicating any 2 consecutive bases within chr4:1,938,417-1,938,441 gives the same sequence; the c. name uses the placement nearest the transcript's 3' end. VCF-style (leftmost placement, unchanged base first): chr4-1938416-C-CTT. GRCh37 (hg19) VCF-style: chr4-1940143-C-CTT.
Other names: c.1675-11_1675-10dup (NM_001440892.1, NM_001440894.1, NM_001440895.1 and 6 more transcripts); c.1774-11_1774-10dup (NM_001440893.1); c.706-11_706-10dup (NM_001440900.1, NM_001440899.1); c.1674+3178_1674+3179dup (NM_001440897.1, NM_001440898.1).
Identifiers: ClinVar variation 3044286 (VCV003044286.2), dbSNP rs746279426, ClinGen allele CA2812186.